The following is an entry in ClinVar:

NM_003098.3(SNTA1):c.254G>C (p.Arg85Pro)

Genes: SNTA1 (syntrophin alpha 1; minus strand), LOC130065679 (ATAC-STARR-seq lymphoblastoid silent region 12811; plus strand). Cytogenetic location: 20q11.21.
Variant type: single nucleotide variant.
Coding change: c.254G>C on transcript NM_003098.3 (MANE Select); coding-DNA position 254, G replaced by C.
Protein change: p.Arg85Pro; replaces arginine 85 with proline.
Molecular consequence: missense variant.
Genome position (GRCh38, 1-based): chr20:33,443,367, C>G on the plus strand (G>C on the coding strand, the complement: SNTA1 is on the minus strand). VCF-style: chr20-33443367-C-G. GRCh37 (hg19) VCF-style: chr20-32031173-C-G.
Other names: c.254G>C, p.Arg85Pro (NM_001424413.1, NM_001424414.1); short protein forms R85P.
Identifiers: ClinVar variation 3446819 (VCV003446819.1).
Genomic context (GRCh38, chr20:33,443,367, plus strand): 5'-CCACCTTTGATGCTGATGCCCAGCCCACCGGCGTCGGCCTTGCGCACCGTCACGCGGCGC[C>G]GCTGGAGCAGTAGCGCCTCTGGCAGCTGCGGGGGCCCGGCGCCCGGCTCCGCGGCGCCGT-3'
Protein context (NP_003089.1, residues 75-95): PQLPEALLLQ[Arg85Pro]RRVTVRKADA

ClinVar aggregate classification (germline): Uncertain significance (1 of 4 stars; one submission).

Conditions:
Cardiovascular phenotype. Identifiers: MedGen CN230736.

Submission:

Ambry Genetics
Classification: Uncertain significance for Cardiovascular phenotype. Last evaluated: 2024-10-27. Review status: criteria provided, single submitter. Criteria: Ambry Variant Classification Scheme 2023. Collection method: clinical testing. Allele origin: germline.
Comment: The p.R85P variant (also known as c.254G>C), located in coding exon 1 of the SNTA1 gene, results from a G to C substitution at nucleotide position 254. The arginine at codon 85 is replaced by proline, an amino acid with dissimilar properties. This amino acid position is conserved. In addition, this alteration is predicted to be tolerated by in silico analysis. Based on the available evidence, the clinical significance of this variant remains unclear.